The following is an entry in ClinVar:

NM_005677.4(COLQ):c.794C>T (p.Pro265Leu)

Gene: COLQ (collagen like tail subunit of asymmetric acetylcholinesterase; minus strand). Cytogenetic location: 3p25.1.
Variant type: single nucleotide variant.
Coding change: c.794C>T on transcript NM_005677.4 (MANE Select); coding-DNA position 794, C replaced by T.
Protein change: p.Pro265Leu; replaces proline 265 with leucine.
Molecular consequence: missense variant.
Genome position (GRCh38, 1-based): chr3:15,466,361, G>A on the plus strand (C>T on the coding strand, the complement: COLQ is on the minus strand). VCF-style: chr3-15466361-G-A. GRCh37 (hg19) VCF-style: chr3-15507868-G-A.
Other names: c.764C>T, p.Pro255Leu (NM_080538.2); c.692C>T, p.Pro231Leu (NM_080539.4); short protein forms P255L, P231L, P265L.
Identifiers: ClinVar variation 1443494 (VCV001443494.6), dbSNP rs1366896613, ClinGen allele CA351597535.

ClinVar aggregate classification (germline): Uncertain significance (1 of 4 stars; one submission).

Conditions:
Congenital myasthenic syndrome 5. Identifiers: Orphanet 590, MedGen C1864233, MONDO:0011281, OMIM 603034.

Allele frequency attached by ClinVar (database versions not stated): gnomAD exomes 0.00002; gnomAD 0.00003 and 0.00004; TOPMed 0.00003.
gnomAD v4.1: 33 of 1,613,786 alleles (0.002%); highest among the groups gnomAD compares: Middle Eastern, 0.016%; no homozygotes.

Submission:

Labcorp Genetics (formerly Invitae), Labcorp
Classification: Uncertain significance for Congenital myasthenic syndrome 5. Last evaluated: 2022-03-08. Review status: criteria provided, single submitter. Criteria: Invitae Variant Classification Sherloc (09022015). Collection method: clinical testing. Allele origin: germline.
Comment: In summary, the available evidence is currently insufficient to determine the role of this variant in disease. Therefore, it has been classified as a Variant of Uncertain Significance. Algorithms developed to predict the effect of missense changes on protein structure and function are either unavailable or do not agree on the potential impact of this missense change (SIFT: "Deleterious"; PolyPhen-2: "Not Available"; Align-GVGD: "Class C65"). This variant has not been reported in the literature in individuals affected with COLQ-related conditions. This variant is present in population databases (no rsID available, gnomAD 0.007%). This sequence change replaces proline, which is neutral and non-polar, with leucine, which is neutral and non-polar, at codon 265 of the COLQ protein (p.Pro265Leu).